The following is an entry in ClinVar:

NM_000090.4(COL3A1):c.3407C>T (p.Ala1136Val)

Gene: COL3A1 (collagen type III alpha 1 chain; plus strand). Cytogenetic location: 2q32.2.
Variant type: single nucleotide variant.
Coding change: c.3407C>T on transcript NM_000090.4 (MANE Select); coding-DNA position 3407, C replaced by T.
Protein change: p.Ala1136Val; replaces alanine 1136 with valine.
Molecular consequence: missense variant.
Genome position (GRCh38, 1-based): chr2:189,007,928, C>T. VCF-style: chr2-189007928-C-T. GRCh37 (hg19) VCF-style: chr2-189872654-C-T.
Other names: short protein forms A1136V.
Identifiers: ClinVar variation 1254636 (VCV001254636.3), dbSNP rs1688631496, ClinGen allele CA349846194.

ClinVar aggregate classification (germline): Uncertain significance. Review status: criteria provided, multiple submitters, no conflicts (2 of 4 stars). 2 submissions from 2 submitters: Uncertain significance (2). Last evaluated 2023-12-04.

Conditions:
Ehlers-Danlos syndrome, type 4 (EDSVASC). Also called: Ehlers-Danlos syndrome vascular type; Ehlers Danlos syndrome, ecchymotic type; Ehlers Danlos syndrome, arterial type; Ehlers Danlos syndrome, Sack-Barabas type; Ehlers-Danlos Syndrome Type IV. Identifiers: Orphanet 286, MedGen C0268338, MONDO:0017314, OMIM 130050.

Allele frequency attached by ClinVar (database versions not stated): gnomAD exomes below 0.00001; TOPMed below 0.00001.
gnomAD v4.1: 1 of 1,614,168 alleles (0.000062%); highest among the groups gnomAD compares: African/African-American, 0.0013%; no homozygotes.

Submissions (2):

Labcorp Genetics (formerly Invitae), Labcorp
Classification: Uncertain significance for Ehlers-Danlos syndrome, type 4. Last evaluated: 2023-12-04. Review status: criteria provided, single submitter. Criteria: Invitae Variant Classification Sherloc (09022015). Collection method: clinical testing. Allele origin: germline.
Comment: This sequence change replaces alanine, which is neutral and non-polar, with valine, which is neutral and non-polar, at codon 1136 of the COL3A1 protein (p.Ala1136Val). This variant is not present in population databases (gnomAD no frequency). This variant has not been reported in the literature in individuals affected with COL3A1-related conditions. ClinVar contains an entry for this variant (Variation ID: 1254636). Advanced modeling of protein sequence and biophysical properties (such as structural, functional, and spatial information, amino acid conservation, physicochemical variation, residue mobility, and thermodynamic stability) performed at Invitae indicates that this missense variant is not expected to disrupt COL3A1 protein function with a negative predictive value of 95%. In summary, the available evidence is currently insufficient to determine the role of this variant in disease. Therefore, it has been classified as a Variant of Uncertain Significance.

GeneDx
Classification: Uncertain significance. Last evaluated: 2021-07-07. Review status: criteria provided, single submitter. Criteria: GeneDx Variant Classification Process June 2021. Collection method: clinical testing. Allele origin: germline. Affected: yes.
Comment: Has not been previously published as pathogenic or benign to our knowledge; Not observed in large population cohorts (Lek et al., 2016); In silico analysis supports that this missense variant has a deleterious effect on protein structure/function; Occurs in the triple helical domain at the Y position in the canonical Gly-X-Y repeat; although this variant may have an effect on normal protein folding and function, missense substitution at the X position is not a common mechanism of disease (Stenson et al., 2014); This variant is associated with the following publications: (PMID: 27535533)